The following is an entry in ClinVar:

ClinVar aggregate classification (germline): Uncertain significance (1 of 4 stars; one submission).

Conditions:
Argininosuccinate lyase deficiency. Also called: Argininosuccinic aciduria; ARGININOSUCCINIC ACID LYASE DEFICIENCY; ASL DEFICIENCY. Identifiers: Orphanet 23, MedGen C0268547, MONDO:0008815, OMIM 207900, HP:0025630.

Submission:

Labcorp Genetics (formerly Invitae), Labcorp
Classification: Uncertain significance for Argininosuccinate lyase deficiency. Last evaluated: 2022-10-25. Review status: criteria provided, single submitter. Criteria: Invitae Variant Classification Sherloc (09022015). Collection method: clinical testing. Allele origin: germline.
Comment: This sequence change replaces alanine, which is neutral and non-polar, with proline, which is neutral and non-polar, at codon 164 of the ASL protein (p.Ala164Pro). This variant is not present in population databases (gnomAD no frequency). This missense change has been observed in individual(s) with a positive newborn screening result for ASL-related disease (PMID: 32778825). Advanced modeling of protein sequence and biophysical properties (such as structural, functional, and spatial information, amino acid conservation, physicochemical variation, residue mobility, and thermodynamic stability) performed at Invitae indicates that this missense variant is expected to disrupt ASL protein function. In summary, the available evidence is currently insufficient to determine the role of this variant in disease. Therefore, it has been classified as a Variant of Uncertain Significance.

Literature cited by the submitters: PubMed 32778825.

NM_000048.4(ASL):c.490G>C (p.Ala164Pro)

Gene: ASL (argininosuccinate lyase; plus strand). Cytogenetic location: 7q11.21.
Variant type: single nucleotide variant.
Coding change: c.490G>C on transcript NM_000048.4 (MANE Select); coding-DNA position 490, G replaced by C.
Protein change: p.Ala164Pro; replaces alanine 164 with proline.
Molecular consequence: missense variant.
Genome position (GRCh38, 1-based): chr7:66,086,628, G>C. VCF-style: chr7-66086628-G-C. GRCh37 (hg19) VCF-style: chr7-65551615-G-C.
Other names: c.490G>C, p.Ala164Pro (NM_001024943.2, NM_001024944.2, NM_001024946.2); short protein forms A164P.
Identifiers: ClinVar variation 2780116 (VCV002780116.3), dbSNP rs2485007992, ClinGen allele CA367641982.